The following is an entry in ClinVar:

NM_024529.5(CDC73):c.635G>T (p.Ser212Ile)

Gene: CDC73 (cell division cycle 73; plus strand). Cytogenetic location: 1q31.2.
Variant type: single nucleotide variant.
Coding change: c.635G>T on transcript NM_024529.5 (MANE Select); coding-DNA position 635, G replaced by T.
Protein change: p.Ser212Ile; replaces serine 212 with isoleucine.
Molecular consequence: missense variant.
Genome position (GRCh38, 1-based): chr1:193,141,972, G>T. VCF-style: chr1-193141972-G-T. GRCh37 (hg19) VCF-style: chr1-193111102-G-T.
Other names: short protein forms S212I.
Identifiers: ClinVar variation 4827897 (VCV004827897.1).

ClinVar aggregate classification (germline): Uncertain significance (1 of 4 stars; one submission).

Conditions:
Hereditary cancer-predisposing syndrome. Also called: Neoplastic Syndromes, Hereditary; Tumor predisposition; Hereditary Cancer Syndrome; Hereditary neoplastic syndrome. Identifiers: Orphanet 140162, MedGen C0027672, MeSH D009386, MONDO:0015356.

Submission:

Ambry Genetics
Classification: Uncertain significance for Hereditary cancer-predisposing syndrome. Last evaluated: 2026-03-13. Review status: criteria provided, single submitter. Criteria: Ambry Variant Classification Scheme 2023. Collection method: clinical testing. Allele origin: germline.
Comment: The p.S212I variant (also known as c.635G>T), located in coding exon 7 of the CDC73 gene, results from a G to T substitution at nucleotide position 635. The serine at codon 212 is replaced by isoleucine, an amino acid with dissimilar properties. This amino acid position is conserved. In addition, this alteration is predicted to be deleterious by in silico analysis. Based on the available evidence, the clinical significance of this variant remains unclear.